The following is an entry in ClinVar:

ClinVar aggregate classification (germline): Benign (1 of 4 stars; one submission).

Conditions:
Collagen 6-related myopathy. Identifiers: MedGen CN117976, MONDO:0100225.

Allele frequency attached by ClinVar (database versions not stated): gnomAD below 0.00001 and 0.00001; ExAC 0.00003; gnomAD exomes 0.00003.

Submission:

Illumina Laboratory Services, Illumina
Classification: Benign for Collagen VI-related myopathy. Last evaluated: 2018-01-13. Review status: criteria provided, single submitter. Criteria: ICSL Variant Classification Criteria 13 December 2019. Collection method: clinical testing. Allele origin: germline.
Comment: This variant was observed in the ICSL laboratory as part of a predisposition screen in an ostensibly healthy population. It had not been previously curated by ICSL or reported in the Human Gene Mutation Database (HGMD: prior to June 1st, 2018), and was therefore a candidate for classification through an automated scoring system. Utilizing variant allele frequency, disease prevalence and penetrance estimates, and inheritance mode, an automated score was calculated to assess if this variant is too frequent to cause the disease. Based on the score and internal cut-off values, a variant classified as benign is not then subjected to further curation. The score for this variant resulted in a classification of benign for this disease.

NM_001848.3(COL6A1):c.2886C>T (p.Ala962=)

Gene: COL6A1 (collagen type VI alpha 1 chain; plus strand). Cytogenetic location: 21q22.3.
Variant type: single nucleotide variant.
Coding change: c.2886C>T on transcript NM_001848.3 (MANE Select); coding-DNA position 2886, C replaced by T.
Protein change: p.Ala962=; no amino-acid change (alanine 962 retained).
Molecular consequence: synonymous variant.
Genome position (GRCh38, 1-based): chr21:46,003,812, C>T. VCF-style: chr21-46003812-C-T. GRCh37 (hg19) VCF-style: chr21-47423726-C-T.
Identifiers: ClinVar variation 898862 (VCV000898862.4), dbSNP rs754524630, ClinGen allele CA10071062.